The following is an entry in ClinVar:

ClinVar aggregate classification (germline): Uncertain significance (1 of 4 stars; one submission).

Conditions:
Immunodeficiency 18 (IMD18). Also called: CD3-EPSILON DEFICIENCY; CD3epsilon deficiency. Identifiers: MedGen C3810127, MONDO:0014278, OMIM 615615.

Submission:

Labcorp Genetics (formerly Invitae), Labcorp
Classification: Uncertain significance for Immunodeficiency 18. Last evaluated: 2024-01-26. Review status: criteria provided, single submitter. Criteria: Invitae Variant Classification Sherloc (09022015). Collection method: clinical testing. Allele origin: germline.
Comment: This sequence change replaces alanine, which is neutral and non-polar, with serine, which is neutral and polar, at codon 159 of the CD3E protein (p.Ala159Ser). This variant is not present in population databases (gnomAD no frequency). This variant has not been reported in the literature in individuals affected with CD3E-related conditions. Algorithms developed to predict the effect of missense changes on protein structure and function output the following: SIFT: "Not Available"; PolyPhen-2: "Benign"; Align-GVGD: "Not Available". The serine amino acid residue is found in multiple mammalian species, which suggests that this missense change does not adversely affect protein function. In summary, the available evidence is currently insufficient to determine the role of this variant in disease. Therefore, it has been classified as a Variant of Uncertain Significance.

NM_000733.4(CD3E):c.475G>T (p.Ala159Ser)

Gene: CD3E (CD3 epsilon subunit of T-cell receptor complex; plus strand). Cytogenetic location: 11q23.3.
Variant type: single nucleotide variant.
Coding change: c.475G>T on transcript NM_000733.4 (MANE Select); coding-DNA position 475, G replaced by T.
Protein change: p.Ala159Ser; replaces alanine 159 with serine.
Molecular consequence: missense variant.
Genome position (GRCh38, 1-based): chr11:118,313,829, G>T. VCF-style: chr11-118313829-G-T. GRCh37 (hg19) VCF-style: chr11-118184544-G-T.
Other names: short protein forms A159S.
Identifiers: ClinVar variation 2795747 (VCV002795747.3), dbSNP rs2496837033, ClinGen allele CA382784254.